The following is an entry in ClinVar:

NM_182914.3(SYNE2):c.2291C>T (p.Thr764Ile)

Gene: SYNE2 (spectrin repeat containing nuclear envelope protein 2; plus strand). Cytogenetic location: 14q23.2.
Variant type: single nucleotide variant.
Coding change: c.2291C>T on transcript NM_182914.3 (MANE Select); coding-DNA position 2291, C replaced by T.
Protein change: p.Thr764Ile; replaces threonine 764 with isoleucine.
Molecular consequence: missense variant.
Genome position (GRCh38, 1-based): chr14:63,986,595, C>T. VCF-style: chr14-63986595-C-T. GRCh37 (hg19) VCF-style: chr14-64453313-C-T.
Other names: c.2291C>T, p.Thr764Ile (NM_015180.6); short protein forms T764I.
Identifiers: ClinVar variation 1356155 (VCV001356155.6), dbSNP rs2153479469, ClinGen allele CA389970176.

ClinVar aggregate classification (germline): Uncertain significance (1 of 4 stars; one submission).

Conditions:
Emery-Dreifuss muscular dystrophy 5, autosomal dominant (EDMD5). Also called: EMERY-DREIFUSS MUSCULAR DYSTROPHY 5. Identifiers: Orphanet 261, MedGen C2751805, MONDO:0013072, OMIM 612999.

Submission:

Labcorp Genetics (formerly Invitae), Labcorp
Classification: Uncertain significance for Emery-Dreifuss muscular dystrophy 5, autosomal dominant. Last evaluated: 2021-09-29. Review status: criteria provided, single submitter. Criteria: Invitae Variant Classification Sherloc (09022015). Collection method: clinical testing. Allele origin: germline.
Comment: In summary, the available evidence is currently insufficient to determine the role of this variant in disease. Therefore, it has been classified as a Variant of Uncertain Significance. Algorithms developed to predict the effect of missense changes on protein structure and function are either unavailable or do not agree on the potential impact of this missense change (SIFT: "Deleterious"; PolyPhen-2: "Benign"; Align-GVGD: "Class C0"). This variant has not been reported in the literature in individuals affected with SYNE2-related conditions. This variant is not present in population databases (ExAC no frequency). This sequence change replaces threonine with isoleucine at codon 764 of the SYNE2 protein (p.Thr764Ile). The threonine residue is weakly conserved and there is a moderate physicochemical difference between threonine and isoleucine.